The following is an entry in ClinVar:

NM_020829.4(RIC1):c.1243T>C (p.Cys415Arg)

Gene: RIC1 (RIC1 partner of RAB6A GEF complex; plus strand). Cytogenetic location: 9p24.1.
Variant type: single nucleotide variant.
Coding change: c.1243T>C on transcript NM_020829.4 (MANE Select); coding-DNA position 1243, T replaced by C.
Protein change: p.Cys415Arg; replaces cysteine 415 with arginine.
Molecular consequence: missense variant.
Genome position (GRCh38, 1-based): chr9:5,746,078, T>C. VCF-style: chr9-5746078-T-C. GRCh37 (hg19) VCF-style: chr9-5746078-T-C.
Other names: c.1243T>C, p.Cys415Arg (NM_001135920.4, NM_001206557.2); short protein forms C415R.
Identifiers: ClinVar variation 4977748 (VCV004977748.1).

ClinVar aggregate classification (germline): Uncertain significance (1 of 4 stars; one submission).

Conditions:
RIC1-related disorder. Also called: RIC1-related condition.

gnomAD v4.1: 14 of 1,608,998 alleles (0.00087%); highest among the groups gnomAD compares: East Asian, 0.029%; no homozygotes.

Submission:

PreventionGenetics, part of Exact Sciences
Classification: Uncertain significance for RIC1-related condition. Last evaluated: 2024-11-26. Review status: criteria provided, single submitter. Criteria: ACMG Guidelines, 2015. Collection method: clinical testing. Allele origin: germline.
Comment: The RIC1 c.1243T>C variant is predicted to result in the amino acid substitution p.Cys415Arg. To our knowledge, this variant has not been reported in the literature. This variant is reported in 0.049% of alleles in individuals of East Asian descent in gnomAD. At this time, the clinical significance of this variant is uncertain due to the absence of conclusive functional and genetic evidence.